The following is an entry in ClinVar:

ClinVar aggregate classification (germline): Uncertain significance (1 of 4 stars; one submission).

Conditions:
Familial thoracic aortic aneurysm and aortic dissection (TAAD). Also called: Thoracic aortic aneurysms and dissections. Identifiers: Orphanet 91387, MedGen C4707243, MONDO:0019625.

Submission:

Ambry Genetics
Classification: Uncertain significance for Familial thoracic aortic aneurysm and aortic dissection. Last evaluated: 2017-10-24. Review status: criteria provided, single submitter. Criteria: Ambry Variant Classification Scheme 2023. Collection method: clinical testing. Allele origin: germline.
Comment: The p.L1624V variant (also known as c.4870T>G), located in coding exon 36 of the MED12 gene, results from a T to G substitution at nucleotide position 4870. The leucine at codon 1624 is replaced by valine, an amino acid with highly similar properties. This amino acid position is highly conserved in available vertebrate species. In addition, this alteration is predicted to be tolerated by in silico analysis. Since supporting evidence is limited at this time, the clinical significance of this alteration remains unclear.

NM_005120.3(MED12):c.4870T>G (p.Leu1624Val)

Gene: MED12 (mediator complex subunit 12; plus strand). Cytogenetic location: Xq13.1.
Variant type: single nucleotide variant.
Coding change: c.4870T>G on transcript NM_005120.3 (MANE Select); coding-DNA position 4870, T replaced by G.
Protein change: p.Leu1624Val; replaces leucine 1624 with valine.
Molecular consequence: missense variant.
Genome position (GRCh38, 1-based): chrX:71,135,098, T>G. VCF-style: chrX-71135098-T-G. GRCh37 (hg19) VCF-style: chrX-70354948-T-G.
Other names: short protein forms L1624V.
Identifiers: ClinVar variation 519917 (VCV000519917.5), dbSNP rs766406937, ClinGen allele CA413532906.
Genomic context (GRCh38, chrX:71,135,098, plus strand): 5'-CCATCCCTGTTTTCTGTATCTCTGAACTCTTGTCCCATCTTCCTGTGCCTGCAGAAGGAG[T>G]TGGGGGAGCGCCAGTCAGACAGTCTGGAAAAGGTTCGCCAGCTGCTGCCACTGCCCAAGC-3'
Protein context (NP_005111.2, residues 1614-1634): MNLAKKLQKE[Leu1624Val]GERQSDSLEK